The following is an entry in ClinVar:

NM_175737.4(KLB):c.2950G>C (p.Glu984Gln)

Gene: KLB (klotho beta; plus strand). Cytogenetic location: 4p14.
Variant type: single nucleotide variant.
Coding change: c.2950G>C on transcript NM_175737.4 (MANE Select); coding-DNA position 2950, G replaced by C.
Protein change: p.Glu984Gln; replaces glutamic acid 984 with glutamine.
Molecular consequence: missense variant.
Genome position (GRCh38, 1-based): chr4:39,448,501, G>C. VCF-style: chr4-39448501-G-C. GRCh37 (hg19) VCF-style: chr4-39450121-G-C.
Other names: short protein forms E984Q.
Identifiers: ClinVar variation 4740603 (VCV004740603.1).

ClinVar aggregate classification (germline): Uncertain significance (1 of 4 stars; one submission).

gnomAD v4.1: 50 of 1,614,016 alleles (0.0031%); highest among the groups gnomAD compares: Admixed American, 0.08%; no homozygotes.

Submission:

Labcorp Genetics (formerly Invitae), Labcorp
Classification: Uncertain significance. Last evaluated: 2025-10-26. Review status: criteria provided, single submitter. Criteria: Invitae Variant Classification Sherloc (09022015). Collection method: clinical testing. Allele origin: germline.
Comment: This sequence change replaces glutamic acid, which is acidic and polar, with glutamine, which is neutral and polar, at codon 984 of the KLB protein (p.Glu984Gln). This variant is present in population databases (no rsID available, gnomAD 0.05%). This variant has not been reported in the literature in individuals affected with KLB-related conditions. Invitae Evidence Modeling of protein sequence and biophysical properties (such as structural, functional, and spatial information, amino acid conservation, physicochemical variation, residue mobility, and thermodynamic stability) indicates that this missense variant is not expected to disrupt KLB protein function with a negative predictive value of 80%. In summary, the available evidence is currently insufficient to determine the role of this variant in disease. Therefore, it has been classified as a Variant of Uncertain Significance.